The following is an entry in ClinVar:

ClinVar aggregate classification (germline): Uncertain significance (1 of 4 stars; one submission).

Conditions:
Developmental and epileptic encephalopathy, 25 (DEE25). Also called: Epileptic encephalopathy, early infantile, 25; Developmental and epileptic encephalopathy 25, with amelogenesis imperfecta; Epileptic encephalopathy, early infantile, 25, with amelogenesis imperfecta. Identifiers: Orphanet 442835, MedGen C4014621, MONDO:0014392, OMIM 615905.

Allele frequency attached by ClinVar (database versions not stated): gnomAD 0.00002 and 0.00003; TOPMed 0.00003; gnomAD exomes 0.00004; ExAC 0.00005; 1000 Genomes Project 0.00020; 1000 Genomes Project 30x 0.00031.
gnomAD v4.1: 49 of 1,613,110 alleles (0.003%); highest among the groups gnomAD compares: African/African-American, 0.0093%; no homozygotes.

Submission:

Labcorp Genetics (formerly Invitae), Labcorp
Classification: Uncertain significance for Developmental and epileptic encephalopathy, 25. Last evaluated: 2020-10-26. Review status: criteria provided, single submitter. Criteria: Invitae Variant Classification Sherloc (09022015). Collection method: clinical testing. Allele origin: germline.
Comment: In summary, the available evidence is currently insufficient to determine the role of this variant in disease. Therefore, it has been classified as a Variant of Uncertain Significance. Nucleotide substitutions within the consensus splice site are a relatively common cause of aberrant splicing (PMID: 17576681, 9536098). Algorithms developed to predict the effect of sequence changes on RNA splicing suggest that this variant may disrupt the consensus splice site, but this prediction has not been confirmed by published transcriptional studies. Algorithms developed to predict the effect of missense changes on protein structure and function output the following: SIFT: "Tolerated"; PolyPhen-2: "Benign"; Align-GVGD: "Class C0". The glutamine amino acid residue is found in multiple mammalian species, suggesting that this missense change does not adversely affect protein function. These predictions have not been confirmed by published functional studies and their clinical significance is uncertain. This variant has not been reported in the literature in individuals with SLC13A5-related conditions. This variant is present in population databases (rs530676026, ExAC 0.008%). This sequence change replaces arginine with glutamine at codon 123 of the SLC13A5 protein (p.Arg123Gln). The arginine residue is weakly conserved and there is a small physicochemical difference between arginine and glutamine. This variant also falls at the last nucleotide of exon 3, which is part of the consensus splice site for this exon.

Literature cited by the submitters: PubMed 17576681; PubMed 9536098.

NM_177550.5(SLC13A5):c.368G>A (p.Arg123Gln)

Gene: SLC13A5 (solute carrier family 13 member 5; minus strand). Cytogenetic location: 17p13.1.
Variant type: single nucleotide variant.
Coding change: c.368G>A on transcript NM_177550.5 (MANE Select); coding-DNA position 368, G replaced by A.
Protein change: p.Arg123Gln; replaces arginine 123 with glutamine.
Molecular consequence: missense variant.
Genome position (GRCh38, 1-based): chr17:6,706,642, C>T on the plus strand (G>A on the coding strand, the complement: SLC13A5 is on the minus strand). VCF-style: chr17-6706642-C-T. GRCh37 (hg19) VCF-style: chr17-6609961-C-T.
Other names: c.368G>A, p.Arg123Gln (NM_001143838.3); c.368G>A, p.Arg123His (NM_001284509.2); c.239G>A, p.Arg80Gln (NM_001284510.2); short protein forms R123H, R123Q, R80Q.
Identifiers: ClinVar variation 1480480 (VCV001480480.6), dbSNP rs530676026, ClinGen allele CA8331764.
Genomic context (GRCh38, chr17:6,706,642, plus strand): 5'-CCCCTTCCAGCCCTGGGGCTCATGCAGAGCCACGTGGCAAGAGAGAGAAGGCGTAATTAC[C>T]GTGCAGGCTTGGCCCCCACCCAGAGGAGCGTGCGCAGGGCGATCCTCTTGTGCAGGTTCC-3'
Protein context (NP_808218.1, residues 113-133): TLLWVGAKPA[Arg123Gln]LMLGFMGVTA